The following is an entry in ClinVar:

ClinVar aggregate classification (germline): Uncertain significance. Review status: criteria provided, multiple submitters, no conflicts (2 of 4 stars). 4 submissions from 4 submitters: Uncertain significance (4). Last evaluated 2026-06-30.

Conditions:
Inborn genetic diseases. Identifiers: MedGen C0950123, MeSH D030342.
Charcot-Marie-Tooth disease axonal type 2O. Also called: CHARCOT-MARIE-TOOTH NEUROPATHY, AXONAL, TYPE 2O; CHARCOT-MARIE-TOOTH DISEASE, AXONAL, AUTOSOMAL DOMINANT, TYPE 2O; Charcot-Marie-Tooth disease, axonal, type 20; Charcot-Marie-Tooth Neuropathy Type 2O. Identifiers: Orphanet 284232, MedGen C3280220, MONDO:0013644, OMIM 614228.
Autosomal dominant childhood-onset proximal spinal muscular atrophy without contractures. Also called: SPINAL MUSCULAR ATROPHY, CHILDHOOD, PROXIMAL, AUTOSOMAL DOMINANT; KUGELBERG-WELANDER SYNDROME, AUTOSOMAL DOMINANT; SPINAL MUSCULAR ATROPHY, JUVENILE, PROXIMAL, AUTOSOMAL DOMINANT; Spinal muscular atrophy, lower extremity-predominant 1, AD. Identifiers: Orphanet 209341, Orphanet 363447, MedGen C5780022, MONDO:0008026, OMIM 158600.

Submissions (4):

GeneDx
Classification: Uncertain significance. Last evaluated: 2026-06-30. Review status: criteria provided, single submitter. Criteria: GeneDx Variant Classification Process June 2021. Collection method: clinical testing. Allele origin: germline.
Comment: Reported in a patient with polyneuropathy, however segregation and detailed clinical information was not provided (PMID: 29653220); In silico analysis supports that this missense variant has a deleterious effect on protein structure/function; Not observed at significant frequency in large population cohorts (gnomAD); This variant is associated with the following publications: (PMID: 25512093, 25609763, 26100331, 29653220)

Clinical Genomics Laboratory, Washington University in St. Louis
Classification: Uncertain significance for Autosomal dominant childhood-onset proximal spinal muscular atrophy without contractures; Charcot-Marie-Tooth disease axonal type 2O. Last evaluated: 2025-08-05. Review status: criteria provided, single submitter. Criteria: ACMG Guidelines, 2015. Collection method: clinical testing. Allele origin: germline.
Comment: The DYNC1H1 c.13730T>C (p.Leu4577Pro) variant has been reported in one individual affected with an unspecified polyneuropathy (Vaeth S et al., PMID: 29653220). This variant is absent from the general population (gnomAD v2.1.1), indicating it is not a common variant. Computational predictors are uncertain as to the impact of this variant on DYNC1H1 function. This variant has been reported in the ClinVar database as a germline variant of uncertain significance by three submitters (ClinVar Variation ID: 934983). Due to limited information, and based on ACMG/AMP guidelines for variant interpretation (Richards S et al., PMID: 25741868), the clinical significance of this variant is uncertain at this time.

Labcorp Genetics (formerly Invitae), Labcorp
Classification: Uncertain significance for Charcot-Marie-Tooth disease axonal type 2O. Last evaluated: 2023-04-22. Review status: criteria provided, single submitter. Criteria: Invitae Variant Classification Sherloc (09022015). Collection method: clinical testing. Allele origin: germline.
Comment: In summary, the available evidence is currently insufficient to determine the role of this variant in disease. Therefore, it has been classified as a Variant of Uncertain Significance. Advanced modeling of protein sequence and biophysical properties (such as structural, functional, and spatial information, amino acid conservation, physicochemical variation, residue mobility, and thermodynamic stability) performed at Invitae indicates that this missense variant is not expected to disrupt DYNC1H1 protein function. ClinVar contains an entry for this variant (Variation ID: 934983). This missense change has been observed in individual(s) with DYNC1H1-related conditions (PMID: 29653220). This variant is not present in population databases (gnomAD no frequency). This sequence change replaces leucine, which is neutral and non-polar, with proline, which is neutral and non-polar, at codon 4577 of the DYNC1H1 protein (p.Leu4577Pro).

Ambry Genetics
Classification: Uncertain significance for Inborn genetic diseases. Last evaluated: 2021-01-05. Review status: criteria provided, single submitter. Criteria: Ambry Variant Classification Scheme 2023. Collection method: clinical testing. Allele origin: germline.
Comment: The p.L4577P variant (also known as c.13730T>C), located in coding exon 77 of the DYNC1H1 gene, results from a T to C substitution at nucleotide position 13730. The leucine at codon 4577 is replaced by proline, an amino acid with similar properties. This amino acid position is highly conserved in available vertebrate species. In addition, the in silico prediction for this alteration is inconclusive. Since supporting evidence is limited at this time, the clinical significance of this alteration remains unclear.

Literature cited by the submitters: PubMed 29653220 (cited by Labcorp Genetics (formerly Invitae), Labcorp).

NM_001376.5(DYNC1H1):c.13730T>C (p.Leu4577Pro)

Gene: DYNC1H1 (dynein cytoplasmic 1 heavy chain 1; plus strand). Cytogenetic location: 14q32.31.
Variant type: single nucleotide variant.
Coding change: c.13730T>C on transcript NM_001376.5 (MANE Select); coding-DNA position 13730, T replaced by C.
Protein change: p.Leu4577Pro; replaces leucine 4577 with proline.
Molecular consequence: missense variant.
Genome position (GRCh38, 1-based): chr14:102,050,116, T>C. VCF-style: chr14-102050116-T-C. GRCh37 (hg19) VCF-style: chr14-102516453-T-C.
Other names: short protein forms L4577P.
Identifiers: ClinVar variation 934983 (VCV000934983.14), dbSNP rs1567026417, ClinGen allele CA391051640.